The following is an entry in ClinVar:

ClinVar aggregate classification (germline): Conflicting classifications of pathogenicity. Review status: criteria provided, conflicting classifications (1 of 4 stars). 4 submissions from 4 submitters: Likely pathogenic (2); Uncertain significance (1). 1 of the submissions does not count toward it. Last evaluated 2022-06-28.

Conditions:
CRX-related disorders.
Autosomal dominant retinitis pigmentosa. Identifiers: MedGen C0339525.
Leber congenital amaurosis 7 (LCA7). Identifiers: Orphanet 65, MedGen C3151192, MONDO:0013449, OMIM 613829.
Cone-rod dystrophy 2 (CORD2). Also called: CONE-ROD RETINAL DYSTROPHY; Cone-rod retinal dystrophy 2. Identifiers: Orphanet 1872, MedGen C3489532, MONDO:0007362, OMIM 120970.

Submissions (4):

Blueprint Genetics
Classification: Likely pathogenic for CRX-related disorders. Last evaluated: 2022-06-28. Review status: criteria provided, single submitter. Criteria: ACMG Guidelines, 2015. Collection method: clinical testing. Allele origin: germline. Affected: yes. Observed: 1 variant allele.

Labcorp Genetics (formerly Invitae), Labcorp
Classification: Uncertain significance for Cone-rod dystrophy 2; Leber congenital amaurosis 7. Last evaluated: 2020-08-25. Review status: criteria provided, single submitter. Criteria: Invitae Variant Classification Sherloc (09022015). Collection method: clinical testing. Allele origin: germline.
Comment: This sequence change replaces alanine with threonine at codon 92 of the CRX protein (p.Ala92Thr). The alanine residue is highly conserved and there is a small physicochemical difference between alanine and threonine. This variant is not present in population databases (ExAC no frequency). This variant has been observed in individual(s) with cone rod dystrophy or retinitis pigmentosa (PMID: 26355662, Invitae). ClinVar contains an entry for this variant (Variation ID: 191106). Algorithms developed to predict the effect of missense changes on protein structure and function (SIFT, PolyPhen-2, Align-GVGD) all suggest that this variant is likely to be disruptive, but these predictions have not been confirmed by published functional studies and their clinical significance is uncertain. In summary, the available evidence is currently insufficient to determine the role of this variant in disease. Therefore, it has been classified as a Variant of Uncertain Significance.

Genomic Medicine Center of Excellence, King Faisal Specialist Hospital and Research Centre
Classification: Likely pathogenic. Review status: criteria provided, single submitter. Criteria: ACMG Guidelines, 2015. Collection method: research. Allele origin: germline. Affected: yes.

Faculty of Health Sciences, Beirut Arab University
Classification: Pathogenic for Autosomal dominant Retinitis Pigmentosa. Last evaluated: 2015-09-10. Review status: no assertion criteria provided. Collection method: literature only. Allele origin: germline. Affected: yes. Observed: 1 variant allele. Not counted in ClinVar's aggregate classification.

Literature cited by the submitters: PubMed 26355662 (cited by Labcorp Genetics (formerly Invitae), Labcorp and Faculty of Health Sciences, Beirut Arab University).

NM_000554.6(CRX):c.274G>A (p.Ala92Thr)

Gene: CRX (cone-rod homeobox; plus strand). Cytogenetic location: 19q13.33.
Variant type: single nucleotide variant.
Coding change: c.274G>A on transcript NM_000554.6 (MANE Select); coding-DNA position 274, G replaced by A.
Protein change: p.Ala92Thr; replaces alanine 92 with threonine.
Molecular consequence: missense variant.
Genome position (GRCh38, 1-based): chr19:47,839,341, G>A. VCF-style: chr19-47839341-G-A. GRCh37 (hg19) VCF-style: chr19-48342598-G-A.
Other names: short protein forms A92T.
Identifiers: ClinVar variation 191106 (VCV000191106.12), dbSNP rs786205521, ClinGen allele CA236030.